The following is an entry in ClinVar:

ClinVar aggregate classification (germline): Uncertain significance (1 of 4 stars; one submission).

gnomAD v4.1: 32 of 1,614,000 alleles (0.002%); highest among the groups gnomAD compares: Non-Finnish European, 0.0026%; no homozygotes.

Submission:

Women's Health and Genetics/Laboratory Corporation of America, LabCorp
Classification: Uncertain significance. Last evaluated: 2024-12-24. Review status: criteria provided, single submitter. Criteria: LabCorp Variant Classification Summary - May 2015. Collection method: clinical testing. Allele origin: germline.
Comment: Variant summary: MYO6 c.1735A>T (p.Ile579Phe) results in a non-conservative amino acid change located in the Myosin motor domain (IPR001609) of the encoded protein sequence. Five of five in-silico tools predict a damaging effect of the variant on protein function. The variant allele was found at a frequency of 8e-06 in 251448 control chromosomes. The available data on variant occurrences in the general population are insufficient to allow any conclusion about variant significance. To our knowledge, no occurrence of c.1735A>T in individuals affected with MYO6-Related Disorders and no experimental evidence demonstrating its impact on protein function have been reported. No submitters have cited clinical-significance assessments for this variant to ClinVar. Based on the evidence outlined above, the variant was classified as uncertain significance.

NM_004999.4(MYO6):c.1735A>T (p.Ile579Phe)

Gene: MYO6 (myosin VI; plus strand). Cytogenetic location: 6q14.1.
Variant type: single nucleotide variant.
Coding change: c.1735A>T on transcript NM_004999.4 (MANE Select); coding-DNA position 1735, A replaced by T.
Protein change: p.Ile579Phe; replaces isoleucine 579 with phenylalanine.
Molecular consequence: missense variant. On other transcripts: non-coding transcript variant (1).
Genome position (GRCh38, 1-based): chr6:75,866,586, A>T. VCF-style: chr6-75866586-A-T. GRCh37 (hg19) VCF-style: chr6-76576303-A-T.
Other names: c.1735A>T, p.Ile579Phe (NM_001300899.2, NM_001368136.1, NM_001368137.1 and 2 more transcripts); c.1720A>T, p.Ile574Phe (NM_001368138.1); short protein forms I574F, I579F.
Identifiers: ClinVar variation 3768450 (VCV003768450.1).
Genomic context (GRCh38, chr6:75,866,586, plus strand): 5'-ATTCCCAGAAAATCTAAGCTGGCAGTTCATAGGAATATCAGAGACGACGAAGGCTTCATT[A>T]TCAGGCATTTTGCGGGGGCAGTGTGCTATGAAACAGTGAGTATAACTTTTACAAGGAGAA-3'
Protein context (NP_004990.3, residues 569-589): RNIRDDEGFI[Ile579Phe]RHFAGAVCYE